The following is an entry in ClinVar:

NM_001005361.3(DNM2):c.31C>T (p.Pro11Ser)

Genes: DNM2 (dynamin 2; plus strand), LOC130063529 (ATAC-STARR-seq lymphoblastoid silent region 10090; plus strand). Cytogenetic location: 19p13.2.
Variant type: single nucleotide variant.
Coding change: c.31C>T on transcript NM_001005361.3 (MANE Select); coding-DNA position 31, C replaced by T.
Protein change: p.Pro11Ser; replaces proline 11 with serine.
Molecular consequence: missense variant.
Genome position (GRCh38, 1-based): chr19:10,718,273, C>T. VCF-style: chr19-10718273-C-T. GRCh37 (hg19) VCF-style: chr19-10828949-C-T.
Other names: c.31C>T, p.Pro11Ser (NM_001005360.3, NM_001005362.3, NM_001190716.2 and 1 more transcripts); short protein forms P11S.
Identifiers: ClinVar variation 644304 (VCV000644304.29), dbSNP rs1014814501, ClinGen allele CA305245916.

ClinVar aggregate classification (germline): Uncertain significance. Review status: criteria provided, multiple submitters, no conflicts (2 of 4 stars). 3 submissions from 3 submitters: Uncertain significance (3). Last evaluated 2024-08-01.

Conditions:
Inborn genetic diseases. Identifiers: MedGen C0950123, MeSH D030342.
Charcot-Marie-Tooth disease dominant intermediate B (CMTDIB). Also called: Charcot-Marie-Tooth disease dominant intermediate 1; CMT DI1; Charcot-Marie-Tooth disease dominant intermediate I; CHARCOT-MARIE-TOOTH NEUROPATHY, DOMINANT INTERMEDIATE B. Identifiers: Orphanet 100044, Orphanet 228179, MedGen C1847902, MONDO:0011674, OMIM 606482.

Allele frequency attached by ClinVar (database versions not stated): gnomAD 0.00001; gnomAD exomes 0.00002; TOPMed 0.00002.
gnomAD v4.1: 24 of 1,493,422 alleles (0.0016%); highest among the groups gnomAD compares: Non-Finnish European, 0.0021%; no homozygotes.

Submissions (3):

CeGaT Center for Human Genetics Tuebingen
Classification: Uncertain significance. Last evaluated: 2024-08-01. Review status: criteria provided, single submitter. Criteria: CeGaT Center For Human Genetics Tuebingen Variant Classification Criteria Version 2. Collection method: clinical testing. Allele origin: germline. Affected: yes. Observed: 1 variant allele.
Comment: DNM2: PM2, PP3

Labcorp Genetics (formerly Invitae), Labcorp
Classification: Uncertain significance for Charcot-Marie-Tooth disease dominant intermediate B. Last evaluated: 2024-01-16. Review status: criteria provided, single submitter. Criteria: Invitae Variant Classification Sherloc (09022015). Collection method: clinical testing. Allele origin: germline.
Comment: This sequence change replaces proline, which is neutral and non-polar, with serine, which is neutral and polar, at codon 11 of the DNM2 protein (p.Pro11Ser). The frequency data for this variant in the population databases is considered unreliable, as metrics indicate poor data quality at this position in the gnomAD database. This missense change has been observed in individual(s) with clinical features of Charcot-Marie-Tooth disease (Invitae). ClinVar contains an entry for this variant (Variation ID: 644304). Advanced modeling of protein sequence and biophysical properties (such as structural, functional, and spatial information, amino acid conservation, physicochemical variation, residue mobility, and thermodynamic stability) has been performed at Invitae for this missense variant, however the output from this modeling did not meet the statistical confidence thresholds required to predict the impact of this variant on DNM2 protein function. In summary, the available evidence is currently insufficient to determine the role of this variant in disease. Therefore, it has been classified as a Variant of Uncertain Significance.

Ambry Genetics
Classification: Uncertain significance for Inborn genetic diseases. Last evaluated: 2023-07-05. Review status: criteria provided, single submitter. Criteria: Ambry Variant Classification Scheme 2023. Collection method: clinical testing. Allele origin: germline.